The following is an entry in ClinVar:

ClinVar aggregate classification (germline): Conflicting classifications of pathogenicity. Review status: criteria provided, conflicting classifications (1 of 4 stars). 11 submissions from 11 submitters: Uncertain significance (1); Benign (2); Likely benign (6). 2 of the submissions do not count toward it. Last evaluated 2026-09-21.

Conditions:
Becker muscular dystrophy (BMD). Also called: MUSCULAR DYSTROPHY, PSEUDOHYPERTROPHIC PROGRESSIVE, BECKER TYPE; Becker Muscular Dystrophy (BMD). Identifiers: Orphanet 98895, MedGen C0917713, MONDO:0010311, OMIM 300376.
Cardiomyopathy (CMYO). Also called: Cardiomyopathies. Identifiers: Orphanet 167848, MedGen C0878544, MONDO:0004994, HP:0001638. Inheritance: Various modes of inheritance.
Dystrophin deficiency.
Duchenne muscular dystrophy (DMD). Also called: MUSCULAR DYSTROPHY, PSEUDOHYPERTROPHIC PROGRESSIVE, DUCHENNE TYPE; Duchenne Muscular Dystrophy (DMD). Identifiers: Orphanet 98896, MedGen C0013264, MONDO:0010679, OMIM 310200.
DMD-related disorder. Also called: DMD-related condition.
Cardiovascular phenotype. Identifiers: MedGen CN230736.
Dilated cardiomyopathy 3B (CMD3B). Also called: CMD3B: DMD-Related Dilated Cardiomyopathy; CARDIOMYOPATHY, DILATED, X-LINKED; DMD-Associated Dilated Cardiomyopathy. Identifiers: Orphanet 154, MedGen C3668940, MONDO:0010542, OMIM 302045.

Allele frequency attached by ClinVar (database versions not stated): ExAC 0.00017; ESP Exome Variant Server 0.00019; TOPMed 0.00041; gnomAD 0.00048 and 0.00054.
gnomAD v4.1: 125 of 1,208,735 alleles (0.01%); highest among the groups gnomAD compares: African/African-American, 0.15%; no homozygotes.

Submissions (11):

Molecular Diagnostic Laboratory for Inherited Cardiovascular Disease, Montreal Heart Institute
Classification: Likely benign. Last evaluated: 2026-09-21. Review status: criteria provided, single submitter. Criteria: ACMG Guidelines, 2015. Collection method: clinical testing. Allele origin: germline. Affected: no.
Comment: BS1;BP1;BP4

Women's Health and Genetics/Laboratory Corporation of America, LabCorp
Classification: Likely benign. Last evaluated: 2026-03-15. Review status: criteria provided, single submitter. Criteria: LabCorp Variant Classification Summary - May 2015. Collection method: clinical testing. Allele origin: germline.

Labcorp Genetics (formerly Invitae), Labcorp
Classification: Benign for Duchenne muscular dystrophy. Last evaluated: 2026-01-04. Review status: criteria provided, single submitter. Criteria: Invitae Variant Classification Sherloc (09022015). Collection method: clinical testing. Allele origin: germline.

Blueprint Genetics
Classification: Likely benign. Last evaluated: 2024-03-01. Review status: criteria provided, single submitter. Criteria: ACMG Guidelines, 2015. Collection method: clinical testing. Allele origin: germline.

CeGaT Center for Human Genetics Tuebingen
Classification: Likely benign. Last evaluated: 2023-03-01. Review status: criteria provided, single submitter. Criteria: CeGaT Center For Human Genetics Tuebingen Variant Classification Criteria Version 2. Collection method: clinical testing. Allele origin: germline. Affected: yes. Observed: 1 variant allele.
Comment: DMD: BP4, BS2

Fulgent Genetics
Classification: Benign for Becker muscular dystrophy; Dilated cardiomyopathy 3B; Duchenne muscular dystrophy. Last evaluated: 2021-08-04. Review status: criteria provided, single submitter. Criteria: ACMG Guidelines, 2015. Collection method: clinical testing. Allele origin: unknown.

Ambry Genetics
Classification: Likely benign for Cardiovascular phenotype. Last evaluated: 2019-08-29. Review status: criteria provided, single submitter. Criteria: Ambry Variant Classification Scheme 2023. Collection method: clinical testing. Allele origin: germline.

Eurofins Ntd Llc (ga)
Classification: Likely benign. Last evaluated: 2015-09-18. Review status: criteria provided, single submitter. Criteria: EGL Classification Definitions 2015. Collection method: clinical testing. Allele origin: germline. Observed: 1 variant allele, 1 hemizygote.

Center for Genomics, Ann and Robert H. Lurie Children's Hospital of Chicago
Classification: Uncertain significance for Becker muscular dystrophy; Dilated cardiomyopathy 3B; Duchenne muscular dystrophy. Review status: criteria provided, single submitter. Criteria: ACMG Guidelines, 2015. Collection method: clinical testing. Allele origin: germline.
Comment: DMD NM_004006.2 exon 37 p.Arg1735Cys (c.5203C>T): This variant has not been reported in the literature and is present in 0.1% (36/18972) of African alleles in the Genome Aggregation Database, including 10 hemizygotes. This variant is present in ClinVar (Variation ID:201749). Evolutionary conservation and computational predictive tools suggest that this variant may impact the protein. In summary, data on this variant is insufficient for disease classification. Therefore, the clinical significance of this variant is uncertain.

PreventionGenetics, part of Exact Sciences
Classification: Likely benign for DMD-related condition. Last evaluated: 2019-09-13. Review status: no assertion criteria provided. Collection method: clinical testing. Allele origin: germline. Not counted in ClinVar's aggregate classification.
Comment: This variant is classified as likely benign based on ACMG/AMP sequence variant interpretation guidelines (Richards et al. 2015 PMID: 25741868, with internal and published modifications).

Natera, Inc.
Classification: Likely benign for Becker muscular dystrophy; Cardiomyopathy; Duchenne muscular dystrophy; Dystrophin deficiency. Last evaluated: 2019-06-21. Review status: no assertion criteria provided. Collection method: clinical testing. Allele origin: germline. Not counted in ClinVar's aggregate classification.

Literature cited by the submitters: PubMed 15655674 (cited by Ambry Genetics and Eurofins Ntd Llc (ga)).

NM_004006.3(DMD):c.5203C>T (p.Arg1735Cys)

Gene: DMD (dystrophin; minus strand). Cytogenetic location: Xp21.1.
Variant type: single nucleotide variant.
Coding change: c.5203C>T on transcript NM_004006.3 (MANE Select); coding-DNA position 5203, C replaced by T.
Protein change: p.Arg1735Cys; replaces arginine 1735 with cysteine.
Molecular consequence: missense variant.
Genome position (GRCh38, 1-based): chrX:32,362,910, G>A on the plus strand (C>T on the coding strand, the complement: DMD is on the minus strand). VCF-style: chrX-32362910-G-A. GRCh37 (hg19) VCF-style: chrX-32381027-G-A.
Other names: c.5179C>T, p.Arg1727Cys (NM_000109.4); c.5191C>T, p.Arg1731Cys (NM_004009.3); c.4834C>T, p.Arg1612Cys (NM_004010.3); c.1180C>T, p.Arg394Cys (NM_004011.4); c.1171C>T, p.Arg391Cys (NM_004012.4); short protein forms R1735C, R1727C, R1731C, R391C, R1612C, R394C.
Identifiers: ClinVar variation 201749 (VCV000201749.51), dbSNP rs147904018, ClinGen allele CA308394.